The following is an entry in ClinVar:

ClinVar aggregate classification (germline): Uncertain significance. Review status: criteria provided, multiple submitters, no conflicts (2 of 4 stars). 2 submissions from 2 submitters: Uncertain significance (2). Last evaluated 2022-10-13.

Conditions:
Inborn genetic diseases. Identifiers: MedGen C0950123, MeSH D030342.
Joubert syndrome 21 (JBTS21). Identifiers: MedGen C3810212, MONDO:0014288, OMIM 615636.

Allele frequency attached by ClinVar (database versions not stated): TOPMed 0.00005; gnomAD 0.00006 and 0.00009; ESP Exome Variant Server 0.00008; gnomAD exomes 0.00017; ExAC 0.00018.
gnomAD v4.1: 199 of 1,586,490 alleles (0.013%); highest among the groups gnomAD compares: Middle Eastern, 0.033%; no homozygotes.

Submissions (2):

Labcorp Genetics (formerly Invitae), Labcorp
Classification: Uncertain significance for Joubert syndrome 21. Last evaluated: 2022-10-13. Review status: criteria provided, single submitter. Criteria: Invitae Variant Classification Sherloc (09022015). Collection method: clinical testing. Allele origin: germline.
Comment: This sequence change replaces serine, which is neutral and polar, with tyrosine, which is neutral and polar, at codon 357 of the CSPP1 protein (p.Ser357Tyr). This variant is present in population databases (rs374330054, gnomAD 0.03%). This variant has not been reported in the literature in individuals affected with CSPP1-related conditions. ClinVar contains an entry for this variant (Variation ID: 971467). Algorithms developed to predict the effect of missense changes on protein structure and function are either unavailable or do not agree on the potential impact of this missense change (SIFT: "Deleterious"; PolyPhen-2: "Possibly Damaging"; Align-GVGD: "Class C15"). In summary, the available evidence is currently insufficient to determine the role of this variant in disease. Therefore, it has been classified as a Variant of Uncertain Significance.

Ambry Genetics
Classification: Uncertain significance for Inborn genetic diseases. Last evaluated: 2022-01-20. Review status: criteria provided, single submitter. Criteria: Ambry Variant Classification Scheme 2023. Collection method: clinical testing. Allele origin: germline.

NM_001382391.1(CSPP1):c.1043C>A (p.Ser348Tyr)

Gene: CSPP1 (centrosome and spindle pole associated protein 1; plus strand). Cytogenetic location: 8q13.2.
Variant type: single nucleotide variant.
Coding change: c.1043C>A on transcript NM_001382391.1 (MANE Select); coding-DNA position 1043, C replaced by A.
Protein change: p.Ser348Tyr; replaces serine 348 with tyrosine.
Molecular consequence: missense variant.
Genome position (GRCh38, 1-based): chr8:67,105,925, C>A. VCF-style: chr8-67105925-C-A. GRCh37 (hg19) VCF-style: chr8-68018160-C-A.
Other names: c.188C>A, p.Ser63Tyr (NM_001291339.2); c.962C>A, p.Ser321Tyr (NM_001363131.2, NM_001363133.2); c.1043C>A, p.Ser348Tyr (NM_001363132.2); c.1151C>A, p.Ser384Tyr (NM_001364869.1); c.971C>A, p.Ser324Tyr (NM_001364870.1); c.1070C>A, p.Ser357Tyr (NM_024790.7); short protein forms S321Y, S324Y, S384Y, S63Y, S348Y, S357Y.
Identifiers: ClinVar variation 971467 (VCV000971467.5), dbSNP rs374330054, ClinGen allele CA4770425.
Genomic context (GRCh38, chr8:67,105,925, plus strand): 5'-GATTTTAATTTACTCTTTTTCTCTGTCTTTTTTTCTTTAGTGCTCCAGACAATGAAACAT[C>A]CAAATCTGCTAATCAAGATACCTGTAGTCCTTTTGCAGGGATGCTCTTTGGTAGGCACAA-3'
Protein context (NP_001369320.1, residues 338-358): ENKSAPDNET[Ser348Tyr]KSANQDTCSP